The following is an entry in ClinVar:

ClinVar aggregate classification (germline): Uncertain significance. Review status: criteria provided, multiple submitters, no conflicts (2 of 4 stars). 2 submissions from 2 submitters: Uncertain significance (2). Last evaluated 2024-05-15.

Conditions:
Focal segmental glomerulosclerosis 5 (FSGS5). Identifiers: Orphanet 656, MedGen C2750475, MONDO:0013191, OMIM 613237.
Charcot-Marie-Tooth disease dominant intermediate E. Also called: CHARCOT-MARIE-TOOTH NEUROPATHY WITH FOCAL SEGMENTAL GLOMERULONEPHRITIS. Identifiers: Orphanet 93114, MedGen C4302667, MONDO:0013758, OMIM 614455.

Allele frequency attached by ClinVar (database versions not stated): ExAC 0.00001; gnomAD exomes 0.00001.
gnomAD v4.1: 21 of 1,613,656 alleles (0.0013%); highest among the groups gnomAD compares: Non-Finnish European, 0.0016%; no homozygotes.

Submissions (2):

Fulgent Genetics
Classification: Uncertain significance for Focal segmental glomerulosclerosis 5; Charcot-Marie-Tooth disease dominant intermediate E. Last evaluated: 2024-05-15. Review status: criteria provided, single submitter. Criteria: ACMG Guidelines, 2015. Collection method: clinical testing. Allele origin: germline.

Labcorp Genetics (formerly Invitae), Labcorp
Classification: Uncertain significance for Charcot-Marie-Tooth disease dominant intermediate E; Focal segmental glomerulosclerosis 5. Last evaluated: 2023-04-01. Review status: criteria provided, single submitter. Criteria: Invitae Variant Classification Sherloc (09022015). Collection method: clinical testing. Allele origin: germline.
Comment: This sequence change replaces aspartic acid, which is acidic and polar, with glutamic acid, which is acidic and polar, at codon 1238 of the INF2 protein (p.Asp1238Glu). In summary, the available evidence is currently insufficient to determine the role of this variant in disease. Therefore, it has been classified as a Variant of Uncertain Significance. Algorithms developed to predict the effect of sequence changes on RNA splicing suggest that this variant may create or strengthen a splice site. Advanced modeling of protein sequence and biophysical properties (such as structural, functional, and spatial information, amino acid conservation, physicochemical variation, residue mobility, and thermodynamic stability) performed at Invitae indicates that this missense variant is not expected to disrupt INF2 protein function. ClinVar contains an entry for this variant (Variation ID: 566019). This variant has not been reported in the literature in individuals affected with INF2-related conditions. This variant is present in population databases (rs775075672, gnomAD 0.0009%).

NM_022489.4(INF2):c.3714T>A (p.Asp1238Glu)

Gene: INF2 (inverted formin 2; plus strand). Cytogenetic location: 14q32.33.
Variant type: single nucleotide variant.
Coding change: c.3714T>A on transcript NM_022489.4 (MANE Select); coding-DNA position 3714, T replaced by A.
Protein change: p.Asp1238Glu; replaces aspartic acid 1238 with glutamic acid.
Molecular consequence: missense variant. On other transcripts: intron variant (1).
Genome position (GRCh38, 1-based): chr14:104,715,303, T>A. VCF-style: chr14-104715303-T-A. GRCh37 (hg19) VCF-style: chr14-105181640-T-A.
Other names: c.3694+447T>A (NM_001031714.4); short protein forms D1238E.
Identifiers: ClinVar variation 566019 (VCV000566019.9), dbSNP rs775075672, ClinGen allele CA7373372.
Genomic context (GRCh38, chr14:104,715,303, plus strand): 5'-TGTGATAAGCCGTTGAGTGCGTTTCTTTTATTTGGAAGCAGAGGTTCCCCCTGATTCTGA[T>A]GATAATAAAACAAAGAAACTGTGTGTGATCCAGTAAGGTATGTACGCAGCCGGCGCTCCG-3'
Protein context (NP_071934.3, residues 1228-1248): RSQEEVPPDS[Asp1238Glu]DNKTKKLCVI